The following is an entry in ClinVar:

NC_000010.10:g.(?_73464658)_(73464897_?)del

Gene: CDH23 (cadherin related 23; plus strand). Cytogenetic location: 10q22.1.
Variant type: Deletion.
Identifiers: ClinVar variation 2426724 (VCV002426724.4).

ClinVar aggregate classification (germline): Pathogenic (1 of 4 stars; one submission).

Submission:

Labcorp Genetics (formerly Invitae), Labcorp
Classification: Pathogenic. Last evaluated: 2021-12-11. Review status: criteria provided, single submitter. Criteria: Invitae Variant Classification Sherloc (09022015). Collection method: clinical testing. Allele origin: germline.
Comment: This variant is a gross deletion of the genomic region encompassing exon(s) 25 of the CDH23 gene. This deletion is out-of-frame, and is expected to create a premature termination codon and result in an absent or disrupted protein product. Loss-of-function variants in CDH23 are known to be pathogenic (PMID: 11138009, 21940737). This variant has not been reported in the literature in individuals affected with CDH23-related conditions. For these reasons, this variant has been classified as Pathogenic.

Literature cited by the submitters: PubMed 11138009; PubMed 21940737.